The following is an entry in ClinVar:

ClinVar aggregate classification (germline): Uncertain significance. Review status: criteria provided, multiple submitters, no conflicts (2 of 4 stars). 2 submissions from 2 submitters: Uncertain significance (2). Last evaluated 2025-04-03.

Conditions:
Inborn genetic diseases. Identifiers: MedGen C0950123, MeSH D030342.

gnomAD v4.1: 7 of 1,613,056 alleles (0.00043%); highest among the groups gnomAD compares: East Asian, 0.0089%; no homozygotes.

Submissions (2):

Ambry Genetics
Classification: Uncertain significance for Inborn genetic diseases. Last evaluated: 2025-04-03. Review status: criteria provided, single submitter. Criteria: Ambry Variant Classification Scheme 2023. Collection method: clinical testing. Allele origin: germline.

GeneDx
Classification: Uncertain significance. Last evaluated: 2024-05-14. Review status: criteria provided, single submitter. Criteria: GeneDx Variant Classification Process June 2021. Collection method: clinical testing. Allele origin: germline. Affected: yes.
Comment: Not observed at significant frequency in large population cohorts (gnomAD); In silico analysis supports that this missense variant has a deleterious effect on protein structure/function; Has not been previously published as pathogenic or benign to our knowledge

NM_001122659.3(EDNRB):c.734T>A (p.Met245Lys)

Genes: EDNRB (endothelin receptor type B; minus strand), EDNRB-AS1 (EDNRB antisense RNA 1; plus strand). Cytogenetic location: 13q22.3.
Variant type: single nucleotide variant.
Coding change: c.734T>A on transcript NM_001122659.3 (MANE Select); coding-DNA position 734, T replaced by A.
Protein change: p.Met245Lys; replaces methionine 245 with lysine.
Molecular consequence: missense variant.
Genome position (GRCh38, 1-based): chr13:77,903,223, A>T on the plus strand (T>A on the coding strand, the complement: EDNRB is on the minus strand). VCF-style: chr13-77903223-A-T. GRCh37 (hg19) VCF-style: chr13-78477358-A-T.
Other names: c.734T>A, p.Met245Lys (NM_000115.5, NM_003991.4); c.1004T>A, p.Met335Lys (NM_001201397.2); short protein forms M245K, M335K.
Identifiers: ClinVar variation 3378186 (VCV003378186.2).